The following is an entry in ClinVar:

ClinVar aggregate classification (germline): Uncertain significance (1 of 4 stars; one submission).

Conditions:
Amyotrophic lateral sclerosis type 21. Also called: MYOPATHY, DISTAL, 2; VOCAL CORD AND PHARYNGEAL DYSFUNCTION WITH DISTAL MYOPATHY. Identifiers: Orphanet 600, Orphanet 803, MedGen C3807521, MONDO:0011632, OMIM 606070.

Submission:

Labcorp Genetics (formerly Invitae), Labcorp
Classification: Uncertain significance for Amyotrophic lateral sclerosis type 21. Last evaluated: 2023-05-26. Review status: criteria provided, single submitter. Criteria: Invitae Variant Classification Sherloc (09022015). Collection method: clinical testing. Allele origin: germline.
Comment: This variant has not been reported in the literature in individuals affected with MATR3-related conditions. In summary, the available evidence is currently insufficient to determine the role of this variant in disease. Therefore, it has been classified as a Variant of Uncertain Significance. An algorithm developed to predict the effect of missense changes on protein structure and function (PolyPhen-2) suggests that this variant is likely to be disruptive. This variant is not present in population databases (gnomAD no frequency). This sequence change replaces proline, which is neutral and non-polar, with leucine, which is neutral and non-polar, at codon 259 of the MATR3 protein (p.Pro259Leu).

NM_018834.6(MATR3):c.776C>T (p.Pro259Leu)

Gene: MATR3 (matrin 3; plus strand). Cytogenetic location: 5q31.2.
Variant type: single nucleotide variant.
Coding change: c.776C>T on transcript NM_018834.6 (MANE Select); coding-DNA position 776, C replaced by T.
Protein change: p.Pro259Leu; replaces proline 259 with leucine.
Molecular consequence: missense variant. On other transcripts: intron variant (11).
Genome position (GRCh38, 1-based): chr5:139,308,191, C>T. VCF-style: chr5-139308191-C-T. GRCh37 (hg19) VCF-style: chr5-138643880-C-T.
Other names: c.776C>T, p.Pro259Leu (NM_001194954.2, NM_001194955.2, NM_001400441.1 and 16 more transcripts); c.52-6484C>T (NM_001400459.1); c.-102-6484C>T (NM_001400463.1, NM_001400460.1, NM_001282278.2 and 3 more transcripts); c.-40-7506C>T (NM_001400462.1, NM_001400467.1); c.13-6484C>T (NM_001400461.1); c.49-6484C>T (NM_001194956.2); short protein forms P259L.
Identifiers: ClinVar variation 2852732 (VCV002852732.3), dbSNP rs2546758727, ClinGen allele CA361488044.